The following is an entry in ClinVar:

ClinVar aggregate classification (germline): Likely benign. Review status: criteria provided, multiple submitters, no conflicts (2 of 4 stars). 3 submissions from 3 submitters: Likely benign (3). Last evaluated 2024-02-25.

Conditions:
Cardiomyopathy (CMYO). Also called: Cardiomyopathies. Identifiers: Orphanet 167848, MedGen C0878544, MONDO:0004994, HP:0001638. Inheritance: Various modes of inheritance.
Arrhythmogenic right ventricular cardiomyopathy (ARVD). Also called: Arrhythmogenic cardiomyopathy; Cardiomyopathy, ARVC; Arrhythmogenic right ventricular dysplasia; Arrhythmogenic Right Ventricular Cardiomyopathy (ARVC). Identifiers: Orphanet 247, MedGen C0349788, MeSH D019571, MONDO:0016587. Disease mechanism: loss of function. Inheritance: Various modes of inheritance.
Arrhythmogenic right ventricular dysplasia 10. Also called: Arrhythmogenic Right Ventricular Dysplasia/Cardiomyopathy10; ARRHYTHMOGENIC RIGHT VENTRICULAR DYSPLASIA, FAMILIAL, 10; Arrhythmogenic right ventricular dysplasia/cardiomyopathy, type 10. Identifiers: MedGen C1857777, MONDO:0012434, OMIM 610193.

Allele frequency attached by ClinVar (database versions not stated): gnomAD exomes below 0.00001.

Submissions (3):

Labcorp Genetics (formerly Invitae), Labcorp
Classification: Likely benign for Arrhythmogenic right ventricular dysplasia 10. Last evaluated: 2024-02-25. Review status: criteria provided, single submitter. Criteria: Invitae Variant Classification Sherloc (09022015). Collection method: clinical testing. Allele origin: germline.

All of Us Research Program, National Institutes of Health
Classification: Likely benign for Arrhythmogenic right ventricular cardiomyopathy. Last evaluated: 2023-05-04. Review status: criteria provided, single submitter. Criteria: ACMG Guidelines, 2015. Collection method: clinical testing. Allele origin: germline. Inheritance: Autosomal dominant inheritance. Observed: 1 variant allele, 1 heterozygote.
Comment: This study involves interpretation of variants in research participants for the purpose of population health screening. Participant phenotype was not available at the time of variant classification. Additional details can be found in publication PMID: 35346344, PMCID: PMC8962531

Color Diagnostics, LLC DBA Color Health
Classification: Likely benign for Cardiomyopathy. Last evaluated: 2020-02-04. Review status: criteria provided, single submitter. Criteria: ACMG Guidelines, 2015. Collection method: clinical testing. Allele origin: germline.

NM_001943.5(DSG2):c.2826A>G (p.Thr942=)

Genes: DSG2 (desmoglein 2; plus strand), DSG2-AS1 (DSG2 antisense RNA 1; minus strand). Cytogenetic location: 18q12.1.
Variant type: single nucleotide variant.
Coding change: c.2826A>G on transcript NM_001943.5 (MANE Select); coding-DNA position 2826, A replaced by G.
Protein change: p.Thr942=; no amino-acid change (threonine 942 retained).
Molecular consequence: synonymous variant.
Genome position (GRCh38, 1-based): chr18:31,546,212, A>G. VCF-style: chr18-31546212-A-G. GRCh37 (hg19) VCF-style: chr18-29126175-A-G.
Identifiers: ClinVar variation 921555 (VCV000921555.5), dbSNP rs2073307712, ClinGen allele CA503766318.